The following is an entry in ClinVar:

ClinVar aggregate classification (germline): Uncertain significance (1 of 4 stars; one submission).

Conditions:
Hereditary cancer-predisposing syndrome. Also called: Hereditary neoplastic syndrome; Tumor predisposition; Hereditary Cancer Syndrome; Neoplastic Syndromes, Hereditary. Identifiers: Orphanet 140162, MedGen C0027672, MeSH D009386, MONDO:0015356.

Submission:

Ambry Genetics
Classification: Uncertain significance for Hereditary cancer-predisposing syndrome. Last evaluated: 2023-08-06. Review status: criteria provided, single submitter. Criteria: Ambry Variant Classification Scheme 2023. Collection method: clinical testing. Allele origin: germline.
Comment: The p.S1737N variant (also known as c.5210G>A), located in coding exon 15 of the APC gene, results from a G to A substitution at nucleotide position 5210. The serine at codon 1737 is replaced by asparagine, an amino acid with highly similar properties. This amino acid position is conserved. In addition, in silico predictors for this gene do not accurately predict pathogenicity. Since supporting evidence is limited at this time, the clinical significance of this alteration remains unclear.

NM_000038.6(APC):c.5210G>A (p.Ser1737Asn)

Gene: APC (APC regulator of Wnt signaling pathway; plus strand). Cytogenetic location: 5q22.2.
Variant type: single nucleotide variant.
Coding change: c.5210G>A on transcript NM_000038.6 (MANE Select); coding-DNA position 5210, G replaced by A.
Protein change: p.Ser1737Asn; replaces serine 1737 with asparagine.
Molecular consequence: missense variant. On other transcripts: non-coding transcript variant (2).
Genome position (GRCh38, 1-based): chr5:112,840,804, G>A. VCF-style: chr5-112840804-G-A. GRCh37 (hg19) VCF-style: chr5-112176501-G-A.
Other names: c.5210G>A, p.Ser1737Asn (NM_001127510.3, NM_001354895.2, NM_001407450.1); c.5156G>A, p.Ser1719Asn (NM_001127511.3); c.5264G>A, p.Ser1755Asn (NM_001354896.2, NM_001407447.1, NM_001407448.1 and 1 more transcripts); c.5240G>A, p.Ser1747Asn (NM_001354897.2); c.5135G>A, p.Ser1712Asn (NM_001354898.2); c.5126G>A, p.Ser1709Asn (NM_001354899.2); c.5087G>A, p.Ser1696Asn (NM_001354900.2); c.5033G>A, p.Ser1678Asn (NM_001354901.2, NM_001407453.1); and 11 more; short protein forms S1636N, S1709N, S1353N, S1678N, S1712N, S1719N, S1608N, S1611N.
Identifiers: ClinVar variation 2587019 (VCV002587019.2), dbSNP rs1765879843, ClinGen allele CA16032719.